The following is an entry in ClinVar:

NM_053025.4(MYLK):c.4593G>C (p.Lys1531Asn)

Gene: MYLK (myosin light chain kinase; minus strand). Cytogenetic location: 3q21.1.
Variant type: single nucleotide variant.
Coding change: c.4593G>C on transcript NM_053025.4 (MANE Select); coding-DNA position 4593, G replaced by C.
Protein change: p.Lys1531Asn; replaces lysine 1531 with asparagine.
Molecular consequence: missense variant.
Genome position (GRCh38, 1-based): chr3:123,647,250, C>G on the plus strand (G>C on the coding strand, the complement: MYLK is on the minus strand). VCF-style: chr3-123647250-C-G. GRCh37 (hg19) VCF-style: chr3-123366097-C-G.
Other names: c.4065G>C, p.Lys1355Asn (NM_001321309.2); c.4386G>C, p.Lys1462Asn (NM_053026.4, NM_053028.4); c.4593G>C, p.Lys1531Asn (NM_053027.4); short protein forms K1355N, K1462N, K1531N.
Identifiers: ClinVar variation 1317223 (VCV001317223.10), dbSNP rs200949109, ClinGen allele CA071839.

ClinVar aggregate classification (germline): Uncertain significance. Review status: criteria provided, multiple submitters, no conflicts (2 of 4 stars). 5 submissions from 5 submitters: Uncertain significance (5). Last evaluated 2025-12-02.

Conditions:
Aortic aneurysm, familial thoracic 7 (AAT7). Also called: AORTIC DISSECTION, FAMILIAL, WITH OR WITHOUT AORTIC ANEURYSM. Identifiers: MedGen C3151077, MONDO:0013418, OMIM 613780.
Megacystis-microcolon-intestinal hypoperistalsis syndrome 1. Identifiers: MedGen C5542316, MONDO:0100354, OMIM 249210.
Familial thoracic aortic aneurysm and aortic dissection (TAAD). Also called: Thoracic aortic aneurysms and dissections. Identifiers: Orphanet 91387, MedGen C4707243, MONDO:0019625.

Allele frequency attached by ClinVar (database versions not stated): gnomAD exomes 0.00001 and 0.00002; ExAC 0.00005; gnomAD 0.00014 and 0.00016; TOPMed 0.00014; 1000 Genomes Project 0.00100; 1000 Genomes Project 30x 0.00109.
gnomAD v4.1: 33 of 1,614,220 alleles (0.002%); highest among the groups gnomAD compares: African/African-American, 0.032%; no homozygotes.

Submissions (5):

Ambry Genetics
Classification: Uncertain significance for Familial thoracic aortic aneurysm and aortic dissection. Last evaluated: 2025-12-02. Review status: criteria provided, single submitter. Criteria: Ambry Variant Classification Scheme 2023. Collection method: clinical testing. Allele origin: germline.
Comment: The p.K1531N variant (also known as c.4593G>C), located in coding exon 24 of the MYLK gene, results from a G to C substitution at nucleotide position 4593. The lysine at codon 1531 is replaced by asparagine, an amino acid with similar properties. This amino acid position is conserved. In addition, this alteration is predicted to be tolerated by in silico analysis. Since supporting evidence is limited at this time, the clinical significance of this alteration remains unclear.

Women's Health and Genetics/Laboratory Corporation of America, LabCorp
Classification: Uncertain significance. Last evaluated: 2025-07-11. Review status: criteria provided, single submitter. Criteria: LabCorp Variant Classification Summary - May 2015. Collection method: clinical testing. Allele origin: germline.

Labcorp Genetics (formerly Invitae), Labcorp
Classification: Uncertain significance for Aortic aneurysm, familial thoracic 7. Last evaluated: 2025-07-09. Review status: criteria provided, single submitter. Criteria: Invitae Variant Classification Sherloc (09022015). Collection method: clinical testing. Allele origin: germline.
Comment: This sequence change replaces lysine, which is basic and polar, with asparagine, which is neutral and polar, at codon 1531 of the MYLK protein (p.Lys1531Asn). This variant is present in population databases (rs200949109, gnomAD 0.03%). This missense change has been observed in individuals with thoracic aortic aneurysm and/or dissection (internal data). ClinVar contains an entry for this variant (Variation ID: 1317223). Invitae Evidence Modeling of protein sequence and biophysical properties (such as structural, functional, and spatial information, amino acid conservation, physicochemical variation, residue mobility, and thermodynamic stability) has been performed for this missense variant. However, the output from this modeling did not meet the statistical confidence thresholds required to predict the impact of this variant on MYLK protein function. In summary, the available evidence is currently insufficient to determine the role of this variant in disease. Therefore, it has been classified as a Variant of Uncertain Significance.

GeneDx
Classification: Uncertain significance. Last evaluated: 2024-09-01. Review status: criteria provided, single submitter. Criteria: GeneDx Variant Classification Process June 2021. Collection method: clinical testing. Allele origin: germline. Affected: yes.
Comment: Has not been previously published as pathogenic or benign to our knowledge; In silico analysis supports that this missense variant has a deleterious effect on protein structure/function

Fulgent Genetics
Classification: Uncertain significance for Megacystis-microcolon-intestinal hypoperistalsis syndrome 1; Aortic aneurysm, familial thoracic 7. Last evaluated: 2021-10-20. Review status: criteria provided, single submitter. Criteria: ACMG Guidelines, 2015. Collection method: clinical testing. Allele origin: unknown.